The following is an entry in ClinVar:

ClinVar aggregate classification (germline): Uncertain significance (1 of 4 stars; one submission).

Submission:

Labcorp Genetics (formerly Invitae), Labcorp
Classification: Uncertain significance. Last evaluated: 2024-07-31. Review status: criteria provided, single submitter. Criteria: Invitae Variant Classification Sherloc (09022015). Collection method: clinical testing. Allele origin: germline.
Comment: This sequence change replaces serine, which is neutral and polar, with cysteine, which is neutral and slightly polar, at codon 2031 of the POLE protein (p.Ser2031Cys). This variant is not present in population databases (gnomAD no frequency). This variant has not been reported in the literature in individuals affected with POLE-related conditions. An algorithm developed to predict the effect of missense changes on protein structure and function (PolyPhen-2) suggests that this variant is likely to be disruptive. In summary, the available evidence is currently insufficient to determine the role of this variant in disease. Therefore, it has been classified as a Variant of Uncertain Significance.

NM_006231.4(POLE):c.6091A>T (p.Ser2031Cys)

Gene: POLE (DNA polymerase epsilon, catalytic subunit; minus strand). Cytogenetic location: 12q24.33.
Variant type: single nucleotide variant.
Coding change: c.6091A>T on transcript NM_006231.4 (MANE Select); coding-DNA position 6091, A replaced by T.
Protein change: p.Ser2031Cys; replaces serine 2031 with cysteine.
Molecular consequence: missense variant.
Genome position (GRCh38, 1-based): chr12:132,632,709, T>A on the plus strand (A>T on the coding strand, the complement: POLE is on the minus strand). VCF-style: chr12-132632709-T-A. GRCh37 (hg19) VCF-style: chr12-133209295-T-A.
Other names: short protein forms S2031C.
Identifiers: ClinVar variation 3661012 (VCV003661012.2).
Genomic context (GRCh38, chr12:132,632,709, plus strand): 5'-CAAAAGACTGCTCACCGGGAAGGGCTCCGACCGCCCCCTCGGCCTCCTGGGAGAGCTGGC[T>A]GGCCCCCCTCCTCCTCACGGGGGTGCTCCCTGGAGCACTGCGCCTCAGCCCGTCCTTCAT-3'
Protein context (NP_006222.2, residues 2021-2041): GSTPVRRRGA[Ser2031Cys]QLSQEAEGAV